The following is an entry in ClinVar:

NM_001267550.2(TTN):c.38186C>T (p.Pro12729Leu)

Gene: TTN (titin; minus strand). Cytogenetic location: 2q31.2.
Variant type: single nucleotide variant.
Coding change: c.38186C>T on transcript NM_001267550.2 (MANE Select); coding-DNA position 38186, C replaced by T.
Protein change: p.Pro12729Leu; replaces proline 12729 with leucine.
Molecular consequence: missense variant. On other transcripts: intron variant (5).
Genome position (GRCh38, 1-based): chr2:178,654,765, G>A on the plus strand (C>T on the coding strand, the complement: TTN is on the minus strand). VCF-style: chr2-178654765-G-A. GRCh37 (hg19) VCF-style: chr2-179519492-G-A.
Other names: c.13283-12448C>T (NM_003319.4); c.13859-12448C>T (NM_133437.4); c.13658-12448C>T (NM_133432.3); c.31742-2224C>T (NM_133378.4); c.34523-2224C>T (NM_001256850.1); short protein forms P12729L.
Identifiers: ClinVar variation 4993857 (VCV004993857.1).
Genomic context (GRCh38, chr2:178,654,765, plus strand): 5'-AGTTATTTTTCTCCTATAGTTTGTATAGCTTTGGCATTACCTTCAGGGGGAGGACTTTCC[G>A]GTTTGGGAGGAATAGCTTCAGGCACCTTCTTTTCTGGGACAGCTGCCTTTGGCACCTCTG-3'
Protein context (NP_001254479.2, residues 12719-12739): KKVPEAIPPK[Pro12729Leu]ESPPPEVPEV

ClinVar aggregate classification (germline): Uncertain significance (1 of 4 stars; one submission).

Conditions:
TTN-related disorder. Also called: TTN-related disorders; TTN-related condition; TTN-related disease.

Submission:

PreventionGenetics, part of Exact Sciences
Classification: Uncertain significance for TTN-related condition. Last evaluated: 2025-09-18. Review status: criteria provided, single submitter. Criteria: ACMG Guidelines, 2015. Collection method: clinical testing. Allele origin: germline.
Comment: The TTN c.38186C>T variant is predicted to result in the amino acid substitution p.Pro12729Leu. To our knowledge, this variant has not been reported in the literature. This variant is reported in 0.014% of alleles in individuals of European (Non-Finnish) descent in gnomAD. This variant falls within a highly paralogous region. Allele frequency data should be interpreted with caution. At this time, the clinical significance of this variant is uncertain due to the absence of conclusive functional and genetic evidence.